The following is an entry in ClinVar:

ClinVar aggregate classification (germline): Likely pathogenic (1 of 4 stars; one submission).

Submission:

Labcorp Genetics (formerly Invitae), Labcorp
Classification: Likely pathogenic. Last evaluated: 2021-12-29. Review status: criteria provided, single submitter. Criteria: Invitae Variant Classification Sherloc (09022015). Collection method: clinical testing. Allele origin: germline.
Comment: This variant is not present in population databases (gnomAD no frequency). This sequence change affects a donor splice site in intron 3 of the GNPTG gene. It is expected to disrupt RNA splicing. Variants that disrupt the donor or acceptor splice site typically lead to a loss of protein function (PMID: 16199547), and loss-of-function variants in GNPTG are known to be pathogenic (PMID: 19370764, 20301784). This variant has not been reported in the literature in individuals affected with GNPTG-related conditions. Algorithms developed to predict the effect of sequence changes on RNA splicing suggest that this variant may disrupt the consensus splice site. In summary, the currently available evidence indicates that the variant is pathogenic, but additional data are needed to prove that conclusively. Therefore, this variant has been classified as Likely Pathogenic.

Literature cited by the submitters: PubMed 16199547; PubMed 19370764; PubMed 20301784.

NM_032520.5(GNPTG):c.178+2T>G

Gene: GNPTG (N-acetylglucosamine-1-phosphate transferase subunit gamma; plus strand). Cytogenetic location: 16p13.3.
Variant type: single nucleotide variant.
Coding change: c.178+2T>G on transcript NM_032520.5 (MANE Select); the canonical splice donor site of the intron after coding-DNA position 178, T replaced by G.
Molecular consequence: splice donor variant.
Genome position (GRCh38, 1-based): chr16:1,352,308, T>G. VCF-style: chr16-1352308-T-G. GRCh37 (hg19) VCF-style: chr16-1402309-T-G.
Identifiers: ClinVar variation 2064761 (VCV002064761.4), dbSNP rs1555450744, ClinGen allele CA394184685.